The following is an entry in ClinVar:

ClinVar aggregate classification (germline): Uncertain significance. Review status: criteria provided, multiple submitters, no conflicts (2 of 4 stars). 3 submissions from 3 submitters: Uncertain significance (3). Last evaluated 2024-10-16.

Allele frequency attached by ClinVar (database versions not stated): 1000 Genomes Project 30x 0.00016; 1000 Genomes Project 0.00020; gnomAD 0.00040 and 0.00041; TOPMed 0.00045; ESP Exome Variant Server 0.00046.
gnomAD v4.1: 133 of 1,613,972 alleles (0.0082%); highest among the groups gnomAD compares: African/African-American, 0.14%; no homozygotes.

Submissions (3):

Blueprint Genetics
Classification: Uncertain significance. Last evaluated: 2024-10-16. Review status: criteria provided, single submitter. Criteria: ACMG Guidelines, 2015. Collection method: clinical testing. Allele origin: germline.

Women's Health and Genetics/Laboratory Corporation of America, LabCorp
Classification: Uncertain significance. Last evaluated: 2023-07-27. Review status: criteria provided, single submitter. Criteria: LabCorp Variant Classification Summary - May 2015. Collection method: clinical testing. Allele origin: germline.
Comment: Variant summary: TULP1 c.1495C>T (p.Pro499Ser) results in a non-conservative amino acid change located in the Tubby, C-terminal domain (IPR000007) of the encoded protein sequence. Three of five in-silico tools predict a damaging effect of the variant on protein function. The variant alters the last conserved nucleotide of exon 14 adjacent to the canonical intronic 5' splice donor site, 4/4 computational tools predict no significant impact on normal splicing, although the possibility of a slight weakening of the donor site cannot be entirely ruled out. However, these predictions have yet to be confirmed by functional studies. The variant allele was found at a frequency of 8.4e-05 in 251112 control chromosomes, predominantly at a frequency of 0.0012 within the African or African-American subpopulation in the gnomAD database. The observed variant frequency within African or African-American control individuals in the gnomAD database is approximately 2.4 fold of the estimated maximal expected allele frequency for a pathogenic variant in TULP1 causing Leber Congenital Amaurosis phenotype (0.0005), strongly suggesting that the variant is a benign polymorphism found primarily in populations of African or African-American origin. c.1495C>T has been reported in the literature with another variant of uncertain clinical significance in an individual affected with retinitis pigmentosa (example, Ge_2015); however, this report does not provide unequivocal conclusions about association of the variant with Leber Congenital Amaurosis. To our knowledge, no experimental evidence demonstrating an impact on protein function has been reported. The following publication have been ascertained in the context of this evaluation (PMID: 26667666). One submitter has cited clinical-significance assessments for this variant to ClinVar after 2014 and has classified the variant as uncertain significance. Based on the evidence outlined above, the variant was classified as VUS-possibly benign.

Labcorp Genetics (formerly Invitae), Labcorp
Classification: Uncertain significance. Last evaluated: 2022-11-01. Review status: criteria provided, single submitter. Criteria: Invitae Variant Classification Sherloc (09022015). Collection method: clinical testing. Allele origin: germline.
Comment: This sequence change replaces proline, which is neutral and non-polar, with serine, which is neutral and polar, at codon 499 of the TULP1 protein (p.Pro499Ser). This variant is present in population databases (rs138772407, gnomAD 0.1%). This missense change has been observed in individual(s) with retinitis pigmentosa (PMID: 26667666). ClinVar contains an entry for this variant (Variation ID: 852608). Algorithms developed to predict the effect of missense changes on protein structure and function output the following: SIFT: "Not Available"; PolyPhen-2: "Benign"; Align-GVGD: "Not Available". The serine amino acid residue is found in multiple mammalian species, which suggests that this missense change does not adversely affect protein function. In summary, the available evidence is currently insufficient to determine the role of this variant in disease. Therefore, it has been classified as a Variant of Uncertain Significance.

Literature cited by the submitters: PubMed 26667666 (cited by Women's Health and Genetics/Laboratory Corporation of America, LabCorp and Labcorp Genetics (formerly Invitae), Labcorp).

NM_003322.6(TULP1):c.1495C>T (p.Pro499Ser)

Gene: TULP1 (TUB like protein 1; minus strand). Cytogenetic location: 6p21.31.
Variant type: single nucleotide variant.
Coding change: c.1495C>T on transcript NM_003322.6 (MANE Select); coding-DNA position 1495, C replaced by T.
Protein change: p.Pro499Ser; replaces proline 499 with serine.
Molecular consequence: missense variant.
Genome position (GRCh38, 1-based): chr6:35,499,981, G>A on the plus strand (C>T on the coding strand, the complement: TULP1 is on the minus strand). VCF-style: chr6-35499981-G-A. GRCh37 (hg19) VCF-style: chr6-35467758-G-A.
Other names: c.1336C>T, p.Pro446Ser (NM_001289395.2); c.1495C>T (NM_003322.5); short protein forms P446S, P499S.
Identifiers: ClinVar variation 852608 (VCV000852608.6), dbSNP rs138772407, ClinGen allele CA3772545.